The following is an entry in ClinVar:

ClinVar aggregate classification (germline): Uncertain significance. Review status: criteria provided, multiple submitters, no conflicts (2 of 4 stars). 2 submissions from 2 submitters: Uncertain significance (2). Last evaluated 2024-09-03.

Conditions:
Inborn genetic diseases. Identifiers: MedGen C0950123, MeSH D030342.

Allele frequency attached by ClinVar (database versions not stated): ExAC 0.00003; gnomAD exomes 0.00004 and 0.00010; gnomAD 0.00010 and 0.00011; ESP Exome Variant Server 0.00015; 1000 Genomes Project 30x 0.00031.
gnomAD v4.1: 159 of 1,572,412 alleles (0.01%); highest among the groups gnomAD compares: Non-Finnish European, 0.013%; 1 homozygote.

Submissions (2):

Ambry Genetics
Classification: Uncertain significance for Inborn genetic diseases. Last evaluated: 2024-09-03. Review status: criteria provided, single submitter. Criteria: Ambry Variant Classification Scheme 2023. Collection method: clinical testing. Allele origin: germline.

Labcorp Genetics (formerly Invitae), Labcorp
Classification: Uncertain significance. Last evaluated: 2022-08-09. Review status: criteria provided, single submitter. Criteria: Invitae Variant Classification Sherloc (09022015). Collection method: clinical testing. Allele origin: germline.
Comment: This sequence change replaces alanine, which is neutral and non-polar, with valine, which is neutral and non-polar, at codon 183 of the TANGO2 protein (p.Ala183Val). This variant is present in population databases (rs377447080, gnomAD 0.01%). This variant has not been reported in the literature in individuals affected with TANGO2-related conditions. ClinVar contains an entry for this variant (Variation ID: 1365665). Algorithms developed to predict the effect of missense changes on protein structure and function output the following: SIFT: "Not Available"; PolyPhen-2: "Benign"; Align-GVGD: "Not Available". The valine amino acid residue is found in multiple mammalian species, which suggests that this missense change does not adversely affect protein function. In summary, the available evidence is currently insufficient to determine the role of this variant in disease. Therefore, it has been classified as a Variant of Uncertain Significance.

NM_152906.7(TANGO2):c.548C>T (p.Ala183Val)

Gene: TANGO2 (transport and golgi organization 2 homolog; plus strand). Cytogenetic location: 22q11.21.
Variant type: single nucleotide variant.
Coding change: c.548C>T on transcript NM_152906.7 (MANE Select); coding-DNA position 548, C replaced by T.
Protein change: p.Ala183Val; replaces alanine 183 with valine.
Molecular consequence: missense variant. On other transcripts: non-coding transcript variant (3), intron variant (4).
Genome position (GRCh38, 1-based): chr22:20,061,626, C>T. VCF-style: chr22-20061626-C-T. GRCh37 (hg19) VCF-style: chr22-20049149-C-T.
Other names: c.548C>T, p.Ala183Val (NM_001283106.3, NM_001283116.3, NM_001283148.3 and 2 more transcripts); c.671C>T, p.Ala224Val (NM_001283129.3, NM_001322141.2, NM_001322143.2 and 1 more transcripts); c.362C>T, p.Ala121Val (NM_001283179.3, NM_001283186.3, NM_001322163.2 and 3 more transcripts); c.254C>T, p.Ala85Val (NM_001283235.3, NM_001322150.2, NM_001322153.2 and 6 more transcripts); c.485C>T, p.Ala162Val (NM_001322145.2, NM_001322147.2); c.446C>T, p.Ala149Val (NM_001322146.2, NM_001322148.2, NM_001322160.2); c.381-1712C>T (NM_001283199.3); c.575-2916C>T (NM_001283215.3); and 3 more; short protein forms A149V, A183V, A121V, A224V, A85V, A162V.
Identifiers: ClinVar variation 1365665 (VCV001365665.5), dbSNP rs377447080, ClinGen allele CA10106477.